The following is an entry in ClinVar:

NM_001384140.1(PCDH15):c.3010-48G>A

Gene: PCDH15 (protocadherin related 15; minus strand). Cytogenetic location: 10q21.1.
Variant type: single nucleotide variant.
Coding change: c.3010-48G>A on transcript NM_001384140.1 (MANE Select); 48 bases into the intron before coding-DNA position 3010, G replaced by A.
Molecular consequence: intron variant.
Genome position (GRCh38, 1-based): chr10:53,959,892, C>T on the plus strand (G>A on the coding strand, the complement: PCDH15 is on the minus strand). VCF-style: chr10-53959892-C-T. GRCh37 (hg19) VCF-style: chr10-55719652-C-T.
Other names: c.2944-48G>A (NM_001142773.2, NM_001142768.2, NM_001354404.2); c.2899-48G>A (NM_001142767.2); c.2797-48G>A (NM_001142765.2); c.3010-48G>A (NM_001142766.2, NM_033056.4, NM_001142764.2 and 4 more transcripts); c.3025-48G>A (NM_001142763.2, NM_001142771.2); c.3031-48G>A (NM_001354411.2); c.3046-48G>A (NM_001142769.3).
Identifiers: ClinVar variation 262149 (VCV000262149.7), dbSNP rs2593107, ClinGen allele CA5505839.
Genomic context (GRCh38, chr10:53,959,892, plus strand): 5'-CAACCACCACCAACTTAAAAAGCAATAAAAATTCATGTTAAAGATTATAAGTAAGAACAG[C>T]GTAACAGCACAATTTTTATATGTATGTTTTTACTTATTGGATTGCCTGGTTCCAGAAGGG-3'

ClinVar aggregate classification (germline): Benign. Review status: criteria provided, multiple submitters, no conflicts (2 of 4 stars). 5 submissions from 4 submitters: Benign (5). Last evaluated 2021-09-05.

Conditions:
Usher syndrome type 1F (USH1F). Also called: USHER SYNDROME, TYPE IF. Identifiers: Orphanet 231169, Orphanet 886, MedGen C1865885, MONDO:0011186, OMIM 602083.
Autosomal recessive nonsyndromic hearing loss 23. Identifiers: Orphanet 90636, MedGen C1836027, MONDO:0012293, OMIM 609533.

Allele frequency attached by ClinVar (database versions not stated): gnomAD exomes 0.74390 and 0.70724; gnomAD 0.70086 and 0.70420; ESP Exome Variant Server 0.67907; TOPMed 0.71220; 1000 Genomes Project 30x 0.72892; 1000 Genomes Project 0.73403; ExAC 0.73626.
gnomAD v4.1: 999,594 of 1,412,740 alleles (71%); highest among the groups gnomAD compares: East Asian, 88%; 354,828 homozygotes.

Submissions (5):

Genome-Nilou Lab
Classification: Benign for Autosomal recessive nonsyndromic hearing loss 23. Last evaluated: 2021-09-05. Review status: criteria provided, single submitter. Criteria: ACMG Guidelines, 2015. Collection method: clinical testing. Allele origin: germline. Affected: no.

Genome-Nilou Lab
Classification: Benign for Usher syndrome type 1F. Last evaluated: 2021-07-01. Review status: criteria provided, single submitter. Criteria: ACMG Guidelines, 2015. Collection method: clinical testing. Allele origin: germline. Affected: no.

GeneDx
Classification: Benign. Last evaluated: 2018-06-14. Review status: criteria provided, single submitter. Criteria: GeneDx Variant Classification (06012015). Collection method: clinical testing. Allele origin: germline. Affected: yes.
Comment: This variant is considered likely benign or benign based on one or more of the following criteria: it is a conservative change, it occurs at a poorly conserved position in the protein, it is predicted to be benign by multiple in silico algorithms, and/or has population frequency not consistent with disease.

Breakthrough Genomics
Classification: Benign. Review status: criteria provided, single submitter. Criteria: ACMG Guidelines, 2015. Collection method: not provided. Allele origin: germline. Inheritance: Autosomal recessive inheritance. Affected: yes.

PreventionGenetics, part of Exact Sciences
Classification: Benign. Review status: criteria provided, single submitter. Criteria: ACMG Guidelines, 2015. Collection method: clinical testing. Allele origin: germline.